The following is an entry in ClinVar:

NM_003664.5(AP3B1):c.1651-1G>A

Gene: AP3B1 (adaptor related protein complex 3 subunit beta 1; minus strand). Cytogenetic location: 5q14.1.
Variant type: single nucleotide variant.
Coding change: c.1651-1G>A on transcript NM_003664.5 (MANE Select); the canonical splice acceptor site of the intron before coding-DNA position 1651, G replaced by A.
Molecular consequence: splice acceptor variant.
Genome position (GRCh38, 1-based): chr5:78,129,308, C>T on the plus strand (G>A on the coding strand, the complement: AP3B1 is on the minus strand). VCF-style: chr5-78129308-C-T. GRCh37 (hg19) VCF-style: chr5-77425132-C-T.
Other names: c.1504-1G>A (NM_001271769.2); c.1651-1G>A (NM_001410752.1).
Identifiers: ClinVar variation 1993788 (VCV001993788.4), dbSNP rs2531000994, ClinGen allele CA360188266.
Genomic context (GRCh38, chr5:78,129,308, plus strand): 5'-GATGTCGTAGTTTTGATCATACTTGCCGAGATTTAATATGTACTGGGTAAGCAATTTTGT[C>T]TGTTGGAAAAAAACAGATCAAGATGAGAATACAGTTATTTATGATTATCGATAACTCTGG-3'

ClinVar aggregate classification (germline): Likely pathogenic (1 of 4 stars; one submission).

Conditions:
Hermansky-Pudlak syndrome 2 (HPS2). Also called: Platelet defects and oculocutaneous albinism. Identifiers: Orphanet 183678, Orphanet 79430, MedGen C1842362, MONDO:0011997, OMIM 608233.

Submission:

Labcorp Genetics (formerly Invitae), Labcorp
Classification: Likely pathogenic for Hermansky-Pudlak syndrome 2. Last evaluated: 2022-03-25. Review status: criteria provided, single submitter. Criteria: Invitae Variant Classification Sherloc (09022015). Collection method: clinical testing. Allele origin: germline.
Comment: This variant has not been reported in the literature in individuals affected with AP3B1-related conditions. In summary, the currently available evidence indicates that the variant is pathogenic, but additional data are needed to prove that conclusively. Therefore, this variant has been classified as Likely Pathogenic. Algorithms developed to predict the effect of sequence changes on RNA splicing suggest that this variant may disrupt the consensus splice site. This variant is not present in population databases (gnomAD no frequency). This sequence change affects an acceptor splice site in intron 15 of the AP3B1 gene. It is expected to disrupt RNA splicing. Variants that disrupt the donor or acceptor splice site typically lead to a loss of protein function (PMID: 16199547), and loss-of-function variants in AP3B1 are known to be pathogenic (PMID: 16507770, 23403622).

Literature cited by the submitters: PubMed 16199547; PubMed 16507770; PubMed 23403622.